The following is an entry in ClinVar:

NM_000097.7(CPOX):c.1334T>A (p.Val445Asp)

Gene: CPOX (coproporphyrinogen oxidase; minus strand). Cytogenetic location: 3q11.2.
Variant type: single nucleotide variant.
Coding change: c.1334T>A on transcript NM_000097.7 (MANE Select); coding-DNA position 1334, T replaced by A.
Protein change: p.Val445Asp; replaces valine 445 with aspartic acid.
Molecular consequence: missense variant.
Genome position (GRCh38, 1-based): chr3:98,580,714, A>T on the plus strand (T>A on the coding strand, the complement: CPOX is on the minus strand). VCF-style: chr3-98580714-A-T. GRCh37 (hg19) VCF-style: chr3-98299558-A-T.
Other names: short protein forms V445D.
Identifiers: ClinVar variation 2093077 (VCV002093077.4), dbSNP rs1318015563, ClinGen allele CA353644406.

ClinVar aggregate classification (germline): Uncertain significance (1 of 4 stars; one submission).

Allele frequency attached by ClinVar (database versions not stated): gnomAD exomes below 0.00001.
gnomAD v4.1: 1 of 1,614,224 alleles (0.000062%); highest among the groups gnomAD compares: Admixed American, 0.0017%; no homozygotes.

Submission:

Labcorp Genetics (formerly Invitae), Labcorp
Classification: Uncertain significance. Last evaluated: 2022-10-13. Review status: criteria provided, single submitter. Criteria: Invitae Variant Classification Sherloc (09022015). Collection method: clinical testing. Allele origin: germline.
Comment: This variant has not been reported in the literature in individuals affected with CPOX-related conditions. This variant is present in population databases (no rsID available, gnomAD 0.003%). This sequence change replaces valine, which is neutral and non-polar, with aspartic acid, which is acidic and polar, at codon 445 of the CPOX protein (p.Val445Asp). Advanced modeling of protein sequence and biophysical properties (such as structural, functional, and spatial information, amino acid conservation, physicochemical variation, residue mobility, and thermodynamic stability) performed at Invitae indicates that this missense variant is not expected to disrupt CPOX protein function. In summary, the available evidence is currently insufficient to determine the role of this variant in disease. Therefore, it has been classified as a Variant of Uncertain Significance.